The following is an entry in ClinVar:

NM_003336.4(UBE2A):c.67G>A (p.Gly23Arg)

Gene: UBE2A (ubiquitin conjugating enzyme E2 A; plus strand). Cytogenetic location: Xq24.
Variant type: single nucleotide variant.
Coding change: c.67G>A on transcript NM_003336.4 (MANE Select); coding-DNA position 67, G replaced by A.
Protein change: p.Gly23Arg; replaces glycine 23 with arginine.
Molecular consequence: missense variant. On other transcripts: 5 prime UTR variant (1).
Genome position (GRCh38, 1-based): chrX:119,574,923, G>A. VCF-style: chrX-119574923-G-A. GRCh37 (hg19) VCF-style: chrX-118708886-G-A.
Other names: c.-33G>A (NM_001282161.2); c.67G>A, p.Gly23Arg (NM_181762.3); short protein forms G23R.
Identifiers: ClinVar variation 437188 (VCV000437188.16), dbSNP rs1556235551, ClinGen allele CA414374087.
Genomic context (GRCh38, chrX:119,574,923, plus strand): 5'-GTGCCGGCCTAGGGGGACCCCTGTCTGTCTTCCCGAAGGTTGCAGGAGGATCCTCCAGCC[G>A]GAGTCAGCGGGGCTCCGTCCGAGAACAACATAATGGTGTGGAACGCGGTCATTTTCGGGT-3'
Protein context (NP_003327.2, residues 13-33): FKRLQEDPPA[Gly23Arg]VSGAPSENNI

ClinVar aggregate classification (germline): Pathogenic. Review status: criteria provided, single submitter (1 of 4 stars). 2 submissions from 2 submitters: Pathogenic (1). 1 of the submissions does not count toward it. Last evaluated 2016-02-18.

Conditions:
Intellectual developmental disorder, X-linked, syndromic, Nascimento type. Also called: MENTAL RETARDATION, X-LINKED, SYNDROMIC 30; Syndromic X-linked intellectual disability Nascimento type. Identifiers: Orphanet 163956, MedGen C3275464, MONDO:0010461, OMIM 300860.

Submissions (2):

Genetic Services Laboratory, University of Chicago
Classification: Pathogenic for Intellectual developmental disorder, X-linked, syndromic, Nascimento type. Last evaluated: 2016-02-18. Review status: criteria provided, single submitter. Criteria: ACMG Guidelines, 2015. Collection method: clinical testing. Allele origin: germline. Affected: yes.

OMIM
Classification: Pathogenic for INTELLECTUAL DEVELOPMENTAL DISORDER, X-LINKED, SYNDROMIC, NASCIMENTO TYPE. Last evaluated: 2010-06-01. Review status: no assertion criteria provided. Collection method: literature only. Allele origin: germline. Not counted in ClinVar's aggregate classification.

Literature cited by the submitters: PubMed 20412111 (cited by OMIM).